The following is an entry in ClinVar:

NM_152564.5(VPS13B):c.8710del (p.Val2904fs)

Gene: VPS13B (vacuolar protein sorting 13 homolog B; plus strand). Cytogenetic location: 8q22.2.
Variant type: Deletion.
Coding change: c.8710del on transcript NM_152564.5 (MANE Select); coding-DNA position 8710, one base deleted (G; older notation c.8710delG).
Protein change: p.Val2904fs; shifts the reading frame from valine 2904.
Molecular consequence: frameshift variant.
Genome position (GRCh38, 1-based): chr8:99,819,500, G deleted. VCF-style (leftmost placement, unchanged base first): chr8-99819499-AG-A. GRCh37 (hg19) VCF-style: chr8-100831727-AG-A.
Other names: c.8785del, p.Val2929fs (NM_017890.5); short protein forms V2929fs, V2904fs.
Identifiers: ClinVar variation 1962285 (VCV001962285.5), dbSNP rs2492013977, ClinGen allele CA2580079246.

ClinVar aggregate classification (germline): Pathogenic (1 of 4 stars; one submission).

Conditions:
Cohen syndrome (COH1). Also called: Cutis verticis gyrata, retinitis pigmentosa, and sensorineural deafness; PEPPER SYNDROME. Identifiers: Orphanet 193, MedGen C0265223, MONDO:0008999, OMIM 216550.

Submission:

Labcorp Genetics (formerly Invitae), Labcorp
Classification: Pathogenic for Cohen syndrome. Last evaluated: 2022-04-01. Review status: criteria provided, single submitter. Criteria: Invitae Variant Classification Sherloc (09022015). Collection method: clinical testing. Allele origin: germline.
Comment: For these reasons, this variant has been classified as Pathogenic. This variant has not been reported in the literature in individuals affected with VPS13B-related conditions. This variant is not present in population databases (gnomAD no frequency). This sequence change creates a premature translational stop signal (p.Val2929Leufs*32) in the VPS13B gene. It is expected to result in an absent or disrupted protein product. Loss-of-function variants in VPS13B are known to be pathogenic (PMID: 15141358, 16648375, 20461111).

Literature cited by the submitters: PubMed 15141358; PubMed 16648375; PubMed 20461111.